The following is an entry in ClinVar:

ClinVar aggregate classification (germline): Uncertain significance (1 of 4 stars; one submission).

Conditions:
DOCK2 deficiency. Also called: Immunodeficiency 40. Identifiers: Orphanet 447737, MedGen C4225328, MONDO:0014637, OMIM 616433.

Submission:

Labcorp Genetics (formerly Invitae), Labcorp
Classification: Uncertain significance for DOCK2 deficiency. Last evaluated: 2019-12-22. Review status: criteria provided, single submitter. Criteria: Invitae Variant Classification Sherloc (09022015). Collection method: clinical testing. Allele origin: germline.
Comment: In summary, the available evidence is currently insufficient to determine the role of this variant in disease. Therefore, it has been classified as a Variant of Uncertain Significance. This sequence change replaces histidine with proline at codon 361 of the DOCK2 protein (p.His361Pro). The histidine residue is moderately conserved and there is a moderate physicochemical difference between histidine and proline. This variant is not present in population databases (ExAC no frequency). This variant has not been reported in the literature in individuals with DOCK2-related conditions. Algorithms developed to predict the effect of missense changes on protein structure and function are either unavailable or do not agree on the potential impact of this missense change (SIFT: "Tolerated"; PolyPhen-2: "Possibly Damaging"; Align-GVGD: "Class C0").

NM_004946.3(DOCK2):c.1082A>C (p.His361Pro)

Gene: DOCK2 (dedicator of cytokinesis 2; plus strand). Cytogenetic location: 5q35.1.
Variant type: single nucleotide variant.
Coding change: c.1082A>C on transcript NM_004946.3 (MANE Select); coding-DNA position 1082, A replaced by C.
Protein change: p.His361Pro; replaces histidine 361 with proline.
Molecular consequence: missense variant. On other transcripts: non-coding transcript variant (1).
Genome position (GRCh38, 1-based): chr5:169,699,408, A>C. VCF-style: chr5-169699408-A-C. GRCh37 (hg19) VCF-style: chr5-169126412-A-C.
Other names: short protein forms H361P.
Identifiers: ClinVar variation 857273 (VCV000857273.9), dbSNP rs1760825005, ClinGen allele CA362105517.
Genomic context (GRCh38, chr5:169,699,408, plus strand): 5'-ATGTGGACATTTCATGCTCTCTTTTCCTTTCCAGGGTTACAGCTGAGAATGACTTCCTAC[A>C]CAGCCTGCTGGGCAAAGTCATAGCCTCCAAGGGGGACAGTGGAGGGCAAGGTAAAGTGCC-3'
Protein context (NP_004937.1, residues 351-371): HPVTAENDFL[His361Pro]SLLGKVIASK